The following is an entry in ClinVar:

ClinVar aggregate classification (germline): Uncertain significance (1 of 4 stars; one submission).

Allele frequency attached by ClinVar (database versions not stated): gnomAD exomes below 0.00001.
gnomAD v4.1: 1 of 1,612,172 alleles (0.000062%); highest among the groups gnomAD compares: East Asian, 0.0022%; no homozygotes.

Submission:

Labcorp Genetics (formerly Invitae), Labcorp
Classification: Uncertain significance. Last evaluated: 2022-04-23. Review status: criteria provided, single submitter. Criteria: Invitae Variant Classification Sherloc (09022015). Collection method: clinical testing. Allele origin: germline.
Comment: This sequence change replaces leucine, which is neutral and non-polar, with phenylalanine, which is neutral and non-polar, at codon 841 of the AP3B2 protein (p.Leu841Phe). This variant is not present in population databases (gnomAD no frequency). This variant has not been reported in the literature in individuals affected with AP3B2-related conditions. Algorithms developed to predict the effect of missense changes on protein structure and function are either unavailable or do not agree on the potential impact of this missense change (SIFT: "Tolerated"; PolyPhen-2: "Possibly Damaging"; Align-GVGD: "Class C0"). In summary, the available evidence is currently insufficient to determine the role of this variant in disease. Therefore, it has been classified as a Variant of Uncertain Significance.

NM_001278512.2(AP3B2):c.2578C>T (p.Leu860Phe)

Genes: CPEB1-AS1 (CPEB1 antisense RNA 1; plus strand), AP3B2 (adaptor related protein complex 3 subunit beta 2; minus strand). Cytogenetic location: 15q25.2.
Variant type: single nucleotide variant.
Coding change: c.2578C>T on transcript NM_001278512.2 (MANE Select); coding-DNA position 2578, C replaced by T.
Protein change: p.Leu860Phe; replaces leucine 860 with phenylalanine.
Molecular consequence: missense variant.
Genome position (GRCh38, 1-based): chr15:82,663,153, G>A on the plus strand (C>T on the coding strand, the complement: AP3B2 is on the minus strand). VCF-style: chr15-82663153-G-A. GRCh37 (hg19) VCF-style: chr15-83331905-G-A.
Other names: c.2425C>T, p.Leu809Phe (NM_001278511.2); c.2521C>T, p.Leu841Phe (NM_004644.5); short protein forms L860F, L841F, L809F.
Identifiers: ClinVar variation 2129566 (VCV002129566.4), dbSNP rs2548695685, ClinGen allele CA393309474.